The following is an entry in ClinVar:

ClinVar aggregate classification (germline): Uncertain significance. Review status: criteria provided, single submitter (1 of 4 stars). 2 submissions from 2 submitters: Uncertain significance (1). 1 of the submissions does not count toward it. Last evaluated 2025-11-05.

Conditions:
HLTF-related disorder. Also called: HLTF-related condition.

Allele frequency attached by ClinVar (database versions not stated): 1000 Genomes Project 30x 0.00125; gnomAD 0.00145; ESP Exome Variant Server 0.00162; ExAC 0.00043; 1000 Genomes Project 0.00100; TOPMed 0.00175.

Submissions (2):

Ambry Genetics
Classification: Uncertain significance. Last evaluated: 2025-11-05. Review status: criteria provided, single submitter. Criteria: Ambry Variant Classification Scheme 2023. Collection method: clinical testing. Allele origin: germline.

PreventionGenetics, part of Exact Sciences
Classification: Likely benign for HLTF-related condition. Last evaluated: 2022-09-01. Review status: no assertion criteria provided. Collection method: clinical testing. Allele origin: germline. Not counted in ClinVar's aggregate classification.
Comment: This variant is classified as likely benign based on ACMG/AMP sequence variant interpretation guidelines (Richards et al. 2015 PMID: 25741868, with internal and published modifications).

NM_003071.4(HLTF):c.2471A>C (p.Lys824Thr)

Gene: HLTF (helicase like transcription factor; minus strand). Cytogenetic location: 3q24.
Variant type: single nucleotide variant.
Coding change: c.2471A>C on transcript NM_003071.4 (MANE Select); coding-DNA position 2471, A replaced by C.
Protein change: p.Lys824Thr; replaces lysine 824 with threonine.
Molecular consequence: missense variant.
Genome position (GRCh38, 1-based): chr3:149,040,062, T>G on the plus strand (A>C on the coding strand, the complement: HLTF is on the minus strand). VCF-style: chr3-149040062-T-G. GRCh37 (hg19) VCF-style: chr3-148757849-T-G.
Other names: c.2471A>C (NM_003071.3); c.2468A>C, p.Lys823Thr (NM_001318934.2); c.2471A>C, p.Lys824Thr (NM_001318935.2, NM_139048.3); short protein forms K823T, K824T.
Identifiers: ClinVar variation 3049166 (VCV003049166.3), dbSNP rs74927267, ClinGen allele CA2658925.